The following is an entry in ClinVar:

ClinVar aggregate classification (germline): Uncertain significance (1 of 4 stars; one submission).

Conditions:
TWIST1-related craniosynostosis (CRS1). Also called: CRANIOSYNOSTOSIS 1. Identifiers: Orphanet 63440, MedGen C4551902, MONDO:0007399, OMIM 123100. Inheritance: Heterogenous inheritance pattern.
Saethre-Chotzen syndrome (SCS). Also called: ACROCEPHALY, SKULL ASYMMETRY, AND MILD SYNDACTYLY; ACS III; CHOTZEN SYNDROME. Identifiers: Orphanet 794, MedGen C0175699, MONDO:0007042, OMIM 101400.

Submission:

Labcorp Genetics (formerly Invitae), Labcorp
Classification: Uncertain significance for TWIST1-related craniosynostosis; Saethre-Chotzen syndrome. Last evaluated: 2023-09-08. Review status: criteria provided, single submitter. Criteria: Invitae Variant Classification Sherloc (09022015). Collection method: clinical testing. Allele origin: germline.
Comment: In summary, the available evidence is currently insufficient to determine the role of this variant in disease. Therefore, it has been classified as a Variant of Uncertain Significance. This variant has not been reported in the literature in individuals affected with TWIST1-related conditions. This variant is not present in population databases (gnomAD no frequency). This variant, c.27_35dup, results in the insertion of 3 amino acid(s) of the TWIST1 protein (p.Val10_Pro12dup), but otherwise preserves the integrity of the reading frame.

NM_000474.4(TWIST1):c.27_35dup (p.Pro12_Ala13insValSerPro)

Gene: TWIST1 (twist family bHLH transcription factor 1; minus strand). Cytogenetic location: 7p21.1.
Variant type: Duplication.
Coding change: c.27_35dup on transcript NM_000474.4 (MANE Select); coding-DNA positions 27 to 35, 9 bases duplicated (AGTCTCGCC; older notation c.27_35dupAGTCTCGCC).
Protein change: p.Pro12_Ala13insValSerPro.
Molecular consequence: inframe insertion. On other transcripts: non-coding transcript variant (1).
Genome position (GRCh38, 1-based): chr7:19,117,287-19,117,295, GGCGAGACT duplicated on the plus strand (AGTCTCGCC on the coding strand, the reverse complement: TWIST1 is on the minus strand); duplicating any 9 consecutive bases within chr7:19,117,287-19,117,301 gives the same sequence; the c. name uses the placement nearest the transcript's 3' end. VCF-style (leftmost placement, unchanged base first): chr7-19117286-C-CGGCGAGACT. GRCh37 (hg19) VCF-style: chr7-19156909-C-CGGCGAGACT.
Identifiers: ClinVar variation 2950975 (VCV002950975.3), dbSNP rs2486051969, ClinGen allele CA2740097310.